The following is an entry in ClinVar:

ClinVar aggregate classification (germline): Uncertain significance (1 of 4 stars; one submission).

Conditions:
Stormorken syndrome (STRMK). Also called: THROMBOCYTOPATHY, ASPLENIA, AND MIOSIS. Identifiers: Orphanet 3204, MedGen C1861451, MONDO:0008497, OMIM 185070.
Combined immunodeficiency due to STIM1 deficiency. Also called: STIM1 DEFICIENCY; IMMUNODEFICIENCY 10. Identifiers: Orphanet 169090, Orphanet 317430, MedGen C2748557, MONDO:0013008, OMIM 612783.
Myopathy with tubular aggregates (TAM). Also called: Tubular Aggregate Myopathy. Identifiers: Orphanet 2593, MedGen C0410207, MONDO:0008051.

Allele frequency attached by ClinVar (database versions not stated): TOPMed below 0.00001; gnomAD 0.00001; gnomAD exomes 0.00001; ExAC 0.00003.
gnomAD v4.1: 21 of 1,613,990 alleles (0.0013%); highest among the groups gnomAD compares: East Asian, 0.045%; no homozygotes.

Submission:

Labcorp Genetics (formerly Invitae), Labcorp
Classification: Uncertain significance for Myopathy with tubular aggregates; Combined immunodeficiency due to STIM1 deficiency; Stormorken syndrome. Last evaluated: 2022-04-22. Review status: criteria provided, single submitter. Criteria: Invitae Variant Classification Sherloc (09022015). Collection method: clinical testing. Allele origin: germline.
Comment: In summary, the available evidence is currently insufficient to determine the role of this variant in disease. Therefore, it has been classified as a Variant of Uncertain Significance. Algorithms developed to predict the effect of missense changes on protein structure and function (SIFT, PolyPhen-2, Align-GVGD) all suggest that this variant is likely to be tolerated. This variant has not been reported in the literature in individuals affected with STIM1-related conditions. This variant is present in population databases (rs761973338, gnomAD 0.05%). This sequence change replaces threonine, which is neutral and polar, with isoleucine, which is neutral and non-polar, at codon 177 of the STIM1 protein (p.Thr177Ile).

NM_001382567.1(STIM1):c.530C>T (p.Thr177Ile)

Gene: STIM1 (stromal interaction molecule 1; plus strand). Cytogenetic location: 11p15.4.
Variant type: single nucleotide variant.
Coding change: c.530C>T on transcript NM_001382567.1 (MANE Select); coding-DNA position 530, C replaced by T.
Protein change: p.Thr177Ile; replaces threonine 177 with isoleucine.
Molecular consequence: missense variant. On other transcripts: non-coding transcript variant (3), intron variant (1).
Genome position (GRCh38, 1-based): chr11:4,059,313, C>T. VCF-style: chr11-4059313-C-T. GRCh37 (hg19) VCF-style: chr11-4080543-C-T.
Other names: c.530C>T, p.Thr177Ile (NM_001277961.3, NM_001277962.2, NM_001382568.1 and 2 more transcripts); c.308C>T, p.Thr103Ile (NM_001382566.1, NM_001382573.1, NM_001382574.1 and 5 more transcripts); c.395C>T, p.Thr132Ile (NM_001382569.1); c.50C>T, p.Thr17Ile (NM_001382571.1); c.41C>T, p.Thr14Ile (NM_001382580.1, NM_001382581.1); c.386-10713C>T (NM_001382570.1); short protein forms T103I, T132I, T14I, T177I, T17I.
Identifiers: ClinVar variation 2159640 (VCV002159640.4), dbSNP rs761973338, ClinGen allele CA5830250.